The following is an entry in ClinVar:

ClinVar aggregate classification (germline): Uncertain significance (1 of 4 stars; one submission).

Conditions:
Lipodystrophy, partial, acquired, susceptibility to (APLD). Also called: APLD, SUSCEPTIBILITY TO. Identifiers: MedGen C3887501, MONDO:0100476, OMIM 608709.
Progressive myoclonic epilepsy type 9. Identifiers: Orphanet 457265, MedGen C4225289, MONDO:0014685, OMIM 616540.

Allele frequency attached by ClinVar (database versions not stated): gnomAD exomes 0.00001.
gnomAD v4.1: 5 of 1,378,654 alleles (0.00036%); highest among the groups gnomAD compares: Non-Finnish European, 0.00047%; no homozygotes.

Submission:

Labcorp Genetics (formerly Invitae), Labcorp
Classification: Uncertain significance for Progressive myoclonic epilepsy type 9; Lipodystrophy, partial, acquired, susceptibility to. Last evaluated: 2020-03-05. Review status: criteria provided, single submitter. Criteria: Invitae Variant Classification Sherloc (09022015). Collection method: clinical testing. Allele origin: germline.
Comment: This variant has not been reported in the literature in individuals with LMNB2-related conditions. The frequency data for this variant in the population databases is considered unreliable, as metrics indicate insufficient coverage at this position in the ExAC database. This sequence change replaces threonine with methionine at codon 34 of the LMNB2 protein (p.Thr34Met). The threonine residue is highly conserved and there is a moderate physicochemical difference between threonine and methionine. Algorithms developed to predict the effect of missense changes on protein structure and function are either unavailable or do not agree on the potential impact of this missense change (SIFT: "Deleterious"; PolyPhen-2: "Probably Damaging"; Align-GVGD: "Class C0"). In summary, the available evidence is currently insufficient to determine the role of this variant in disease. Therefore, it has been classified as a Variant of Uncertain Significance.

NM_032737.4(LMNB2):c.101C>T (p.Thr34Met)

Gene: LMNB2 (lamin B2; minus strand). Cytogenetic location: 19p13.3.
Variant type: single nucleotide variant.
Coding change: c.101C>T on transcript NM_032737.4 (MANE Select); coding-DNA position 101, C replaced by T.
Protein change: p.Thr34Met; replaces threonine 34 with methionine.
Molecular consequence: missense variant.
Genome position (GRCh38, 1-based): chr19:2,456,833, G>A on the plus strand (C>T on the coding strand, the complement: LMNB2 is on the minus strand). VCF-style: chr19-2456833-G-A. GRCh37 (hg19) VCF-style: chr19-2456831-G-A.
Other names: short protein forms T34M.
Identifiers: ClinVar variation 655911 (VCV000655911.8), dbSNP rs1599345010, ClinGen allele CA403260054.
Genomic context (GRCh38, chr19:2,456,833, plus strand): 5'-TTGAGCTCGCGCAGCTCCTCCTTCTCCTGCAGCCGCGACAGGCGCGTGGGCGACAGCGGC[G>A]TGGCGGGCCCGCCCGCGCGGCCGGGCAGCGGCGTGGCCATGGTGGCGGCGGCTCGCGGCC-3'
Protein context (NP_116126.3, residues 24-44): PLPGRAGGPA[Thr34Met]PLSPTRLSRL